The following is an entry in ClinVar:

ClinVar aggregate classification (germline): Uncertain significance. Review status: criteria provided, multiple submitters, no conflicts (2 of 4 stars). 2 submissions from 2 submitters: Uncertain significance (2). Last evaluated 2025-09-22.

Conditions:
Hereditary cancer-predisposing syndrome. Also called: Hereditary neoplastic syndrome; Neoplastic Syndromes, Hereditary; Tumor predisposition; Hereditary Cancer Syndrome. Identifiers: Orphanet 140162, MedGen C0027672, MeSH D009386, MONDO:0015356.

Submissions (2):

Ambry Genetics
Classification: Uncertain significance for Hereditary cancer-predisposing syndrome. Last evaluated: 2025-09-22. Review status: criteria provided, single submitter. Criteria: Ambry Variant Classification Scheme 2023. Collection method: clinical testing. Allele origin: germline.
Comment: The p.K149E variant (also known as c.445A>G), located in coding exon 6 of the POLE gene, results from an A to G substitution at nucleotide position 445. The lysine at codon 149 is replaced by glutamic acid, an amino acid with similar properties. This amino acid position is conserved. In addition, the in silico prediction for this alteration is inconclusive. Based on the available evidence, the clinical significance of this variant remains unclear.

Labcorp Genetics (formerly Invitae), Labcorp
Classification: Uncertain significance. Last evaluated: 2023-04-05. Review status: criteria provided, single submitter. Criteria: Invitae Variant Classification Sherloc (09022015). Collection method: clinical testing. Allele origin: germline.
Comment: In summary, the available evidence is currently insufficient to determine the role of this variant in disease. Therefore, it has been classified as a Variant of Uncertain Significance. Advanced modeling of protein sequence and biophysical properties (such as structural, functional, and spatial information, amino acid conservation, physicochemical variation, residue mobility, and thermodynamic stability) has been performed at Invitae for this missense variant, however the output from this modeling did not meet the statistical confidence thresholds required to predict the impact of this variant on POLE protein function. This variant has not been reported in the literature in individuals affected with POLE-related conditions. This variant is not present in population databases (gnomAD no frequency). This sequence change replaces lysine, which is basic and polar, with glutamic acid, which is acidic and polar, at codon 149 of the POLE protein (p.Lys149Glu).

NM_006231.4(POLE):c.445A>G (p.Lys149Glu)

Gene: POLE (DNA polymerase epsilon, catalytic subunit; minus strand). Cytogenetic location: 12q24.33.
Variant type: single nucleotide variant.
Coding change: c.445A>G on transcript NM_006231.4 (MANE Select); coding-DNA position 445, A replaced by G.
Protein change: p.Lys149Glu; replaces lysine 149 with glutamic acid.
Molecular consequence: missense variant.
Genome position (GRCh38, 1-based): chr12:132,679,630, T>C on the plus strand (A>G on the coding strand, the complement: POLE is on the minus strand). VCF-style: chr12-132679630-T-C. GRCh37 (hg19) VCF-style: chr12-133256216-T-C.
Other names: c.445A>G (NM_006231.2); short protein forms K149E.
Identifiers: ClinVar variation 2783083 (VCV002783083.4), dbSNP rs2136027749, ClinGen allele CA387367550.